The following is an entry in ClinVar:

ClinVar aggregate classification (germline): Uncertain significance (1 of 4 stars; one submission).

gnomAD v4.1: 130 of 1,609,954 alleles (0.0081%); highest among the groups gnomAD compares: African/African-American, 0.15%; 1 homozygote.

Submission:

Women's Health and Genetics/Laboratory Corporation of America, LabCorp
Classification: Uncertain significance. Last evaluated: 2026-01-20. Review status: criteria provided, single submitter. Criteria: LabCorp Variant Classification Summary - May 2015. Collection method: clinical testing. Allele origin: germline.
Comment: Variant summary: SPTBN4 c.-5C>T is located in the untranslated mRNA region upstream of the initiation codon. The variant allele was found at a frequency of 0.00012 in 246086 control chromosomes. This frequency is not significantly higher than estimated for disease-causing variants in SPTBN4, allowing no conclusion about variant significance. To our knowledge, no occurrence of c.-5C>T in individuals affected with SPTBN4-related conditions and no experimental evidence demonstrating its impact on protein function have been reported. No submitters have cited clinical-significance assessments for this variant to ClinVar. Based on the evidence outlined above, the variant was classified as uncertain significance.

NM_020971.3(SPTBN4):c.-5C>T

Gene: SPTBN4 (spectrin beta, non-erythrocytic 4; plus strand). Cytogenetic location: 19q13.2.
Variant type: single nucleotide variant.
Coding change: c.-5C>T on transcript NM_020971.3 (MANE Select); 5 bases upstream of the start codon, C replaced by T.
Molecular consequence: 5 prime UTR variant.
Genome position (GRCh38, 1-based): chr19:40,472,617, C>T. VCF-style: chr19-40472617-C-T. GRCh37 (hg19) VCF-style: chr19-40978524-C-T.
Identifiers: ClinVar variation 4689219 (VCV004689219.1).